The following is an entry in ClinVar:

NM_000059.4(BRCA2):c.6612T>A (p.Pro2204=)

Gene: BRCA2 (BRCA2 DNA repair associated; plus strand). Cytogenetic location: 13q13.1.
Variant type: single nucleotide variant.
Coding change: c.6612T>A on transcript NM_000059.4 (MANE Select); coding-DNA position 6612, T replaced by A.
Protein change: p.Pro2204=; no amino-acid change (proline 2204 retained).
Molecular consequence: synonymous variant.
Genome position (GRCh38, 1-based): chr13:32,340,967, T>A. VCF-style: chr13-32340967-T-A. GRCh37 (hg19) VCF-style: chr13-32915104-T-A.
Identifiers: ClinVar variation 1016574 (VCV001016574.11), dbSNP rs2072560682, ClinGen allele CA483439295.

ClinVar aggregate classification (germline): Conflicting classifications of pathogenicity. Review status: criteria provided, conflicting classifications (1 of 4 stars). 2 submissions from 2 submitters: Uncertain significance (1); Likely benign (1). Last evaluated 2021-10-08.

Conditions:
Hereditary cancer-predisposing syndrome. Also called: Hereditary Cancer Syndrome; Tumor predisposition; Neoplastic Syndromes, Hereditary; Hereditary neoplastic syndrome. Identifiers: Orphanet 140162, MedGen C0027672, MeSH D009386, MONDO:0015356.
Hereditary breast ovarian cancer syndrome. Also called: Hereditary breast and ovarian cancer syndrome (HBOC); Hereditary breast and/or ovarian cancer syndrome; BRCA1- and BRCA2-Associated Hereditary Breast and Ovarian Cancer; Hereditary breast and ovarian cancer syndrome; Hereditary breast and ovarian cancer; Breast and ovarian cancer. Identifiers: Orphanet 145, MedGen C0677776, MeSH D061325, MONDO:0003582. Disease mechanism: loss of function.

Submissions (2):

Ambry Genetics
Classification: Likely benign for Hereditary cancer-predisposing syndrome. Last evaluated: 2021-10-08. Review status: criteria provided, single submitter. Criteria: Ambry Variant Classification Scheme 2023. Collection method: clinical testing. Allele origin: germline.

Labcorp Genetics (formerly Invitae), Labcorp
Classification: Uncertain significance for Hereditary breast ovarian cancer syndrome. Last evaluated: 2020-07-30. Review status: criteria provided, single submitter. Criteria: Invitae Variant Classification Sherloc (09022015). Collection method: clinical testing. Allele origin: germline.
Comment: Algorithms developed to predict the effect of sequence changes on RNA splicing suggest that this variant may create or strengthen a splice site, but this prediction has not been confirmed by published transcriptional studies. In summary, the available evidence is currently insufficient to determine the role of this variant in disease. Therefore, it has been classified as a Variant of Uncertain Significance. This variant has been observed in individual(s) with breast cancer (PMID: 22034289). This variant is not present in population databases (ExAC no frequency). This sequence change affects codon 2204 of the BRCA2 mRNA. It is a 'silent' change, meaning that it does not change the encoded amino acid sequence of the BRCA2 protein.

Literature cited by the submitters: PubMed 22034289 (cited by Labcorp Genetics (formerly Invitae), Labcorp).